The following is an entry in ClinVar:

ClinVar aggregate classification (germline): Uncertain significance. Review status: criteria provided, multiple submitters, no conflicts (2 of 4 stars). 3 submissions from 3 submitters: Uncertain significance (3). Last evaluated 2024-10-14.

Conditions:
Acrocallosal syndrome (ACLS). Also called: Schinzel syndrome 1; Absence of corpus callosum with unusual facial appearance, mental deficiency, duplication of the halluces and polydactyly; HALLUX DUPLICATION, POSTAXIAL POLYDACTYLY, AND ABSENCE OF CORPUS CALLOSUM. Identifiers: Orphanet 36, MedGen C0796147, MONDO:0008708, OMIM 200990.

Allele frequency attached by ClinVar (database versions not stated): gnomAD 0.00001; gnomAD exomes 0.00002; TOPMed 0.00002; ExAC 0.00005.
gnomAD v4.1: 37 of 1,562,614 alleles (0.0024%); highest among the groups gnomAD compares: Non-Finnish European, 0.0028%; no homozygotes.

Submissions (3):

GeneDx
Classification: Uncertain significance. Last evaluated: 2024-10-14. Review status: criteria provided, single submitter. Criteria: GeneDx Variant Classification Process June 2021. Collection method: clinical testing. Allele origin: germline. Affected: yes.
Comment: Not observed at significant frequency in large population cohorts (gnomAD); In silico analysis supports that this missense variant has a deleterious effect on protein structure/function; Has not been previously published as pathogenic or benign to our knowledge

Labcorp Genetics (formerly Invitae), Labcorp
Classification: Uncertain significance for Acrocallosal syndrome. Last evaluated: 2022-02-20. Review status: criteria provided, single submitter. Criteria: Invitae Variant Classification Sherloc (09022015). Collection method: clinical testing. Allele origin: germline.
Comment: This sequence change replaces serine, which is neutral and polar, with phenylalanine, which is neutral and non-polar, at codon 986 of the KIF7 protein (p.Ser986Phe). The frequency data for this variant in the population databases is considered unreliable, as metrics indicate poor data quality at this position in the gnomAD database. This variant has not been reported in the literature in individuals affected with KIF7-related conditions. ClinVar contains an entry for this variant (Variation ID: 1175872). Algorithms developed to predict the effect of missense changes on protein structure and function (SIFT, PolyPhen-2, Align-GVGD) all suggest that this variant is likely to be disruptive. In summary, the available evidence is currently insufficient to determine the role of this variant in disease. Therefore, it has been classified as a Variant of Uncertain Significance.

CeGaT Center for Human Genetics Tuebingen
Classification: Uncertain significance. Last evaluated: 2021-06-01. Review status: criteria provided, single submitter. Criteria: CeGaT Center For Human Genetics Tuebingen Variant Classification Criteria Version 2. Collection method: clinical testing. Allele origin: germline. Affected: yes. Observed: 2 variant alleles.

NM_198525.3(KIF7):c.2957C>T (p.Ser986Phe)

Gene: KIF7 (kinesin family member 7; minus strand). Cytogenetic location: 15q26.1.
Variant type: single nucleotide variant.
Coding change: c.2957C>T on transcript NM_198525.3 (MANE Select); coding-DNA position 2957, C replaced by T.
Protein change: p.Ser986Phe; replaces serine 986 with phenylalanine.
Molecular consequence: missense variant.
Genome position (GRCh38, 1-based): chr15:89,631,649, G>A on the plus strand (C>T on the coding strand, the complement: KIF7 is on the minus strand). VCF-style: chr15-89631649-G-A. GRCh37 (hg19) VCF-style: chr15-90174880-G-A.
Other names: c.2957C>T (NM_198525.2); short protein forms S986F.
Identifiers: ClinVar variation 1175872 (VCV001175872.37), dbSNP rs746893972, ClinGen allele CA7727874.
Genomic context (GRCh38, chr15:89,631,649, plus strand): 5'-TCCCCGCGGATCTGCTGCTGGCTCTGGGCGCTGCCCTGCCGCAGCTGCCCGCTCTTCTCG[G>A]ACAGCTCCTTCTCCAGGTGCTCCAGCCGGCTGGACACTCGCACGATGTCCTCGTTGAGGG-3'
Protein context (NP_940927.2, residues 976-996): SRLEHLEKEL[Ser986Phe]EKSGQLRQGS